The following is an entry in ClinVar:

NM_014679.5(CEP57):c.621+9A>G

Gene: CEP57 (centrosomal protein 57; plus strand). Cytogenetic location: 11q21.
Variant type: single nucleotide variant.
Coding change: c.621+9A>G on transcript NM_014679.5 (MANE Select); 9 bases into the intron after coding-DNA position 621, A replaced by G.
Molecular consequence: intron variant.
Genome position (GRCh38, 1-based): chr11:95,817,912, A>G. VCF-style: chr11-95817912-A-G. GRCh37 (hg19) VCF-style: chr11-95551076-A-G.
Other names: c.540+9A>G (NM_001363604.2); c.594+9A>G (NM_001243776.2); c.621+9A>G (NM_001243777.2).
Identifiers: ClinVar variation 1415283 (VCV001415283.8), dbSNP rs1472625294, ClinGen allele CA600870748.

ClinVar aggregate classification (germline): Uncertain significance (1 of 4 stars; one submission).

Conditions:
Mosaic variegated aneuploidy syndrome 2 (MVA2). Identifiers: Orphanet 1052, MedGen C3279843, MONDO:0013582, OMIM 614114.

Allele frequency attached by ClinVar (database versions not stated): gnomAD exomes below 0.00001 and 0.00001; TOPMed 0.00001.
gnomAD v4.1: 9 of 1,530,726 alleles (0.00059%); highest among the groups gnomAD compares: East Asian, 0.0022%; no homozygotes.

Submission:

Labcorp Genetics (formerly Invitae), Labcorp
Classification: Uncertain significance for Mosaic variegated aneuploidy syndrome 2. Last evaluated: 2022-08-23. Review status: criteria provided, single submitter. Criteria: Invitae Variant Classification Sherloc (09022015). Collection method: clinical testing. Allele origin: germline.
Comment: In summary, the available evidence is currently insufficient to determine the role of this variant in disease. Therefore, it has been classified as a Variant of Uncertain Significance. Algorithms developed to predict the effect of sequence changes on RNA splicing suggest that this variant may create or strengthen a splice site. ClinVar contains an entry for this variant (Variation ID: 1415283). This variant has not been reported in the literature in individuals affected with CEP57-related conditions. This variant is present in population databases (no rsID available, gnomAD 0.0009%). This sequence change falls in intron 5 of the CEP57 gene. It does not directly change the encoded amino acid sequence of the CEP57 protein.